The following is an entry in ClinVar:

NM_020856.4(TSHZ3):c.2433G>A (p.Thr811=)

Gene: TSHZ3 (teashirt zinc finger homeobox 3; minus strand). Cytogenetic location: 19q12.
Variant type: single nucleotide variant.
Coding change: c.2433G>A on transcript NM_020856.4 (MANE Select); coding-DNA position 2433, G replaced by A.
Protein change: p.Thr811=; no amino-acid change (threonine 811 retained).
Molecular consequence: synonymous variant.
Genome position (GRCh38, 1-based): chr19:31,277,360, C>T on the plus strand (G>A on the coding strand, the complement: TSHZ3 is on the minus strand). VCF-style: chr19-31277360-C-T. GRCh37 (hg19) VCF-style: chr19-31768266-C-T.
Identifiers: ClinVar variation 3046797 (VCV003046797.2), dbSNP rs373784479, ClinGen allele CA306876460.

ClinVar aggregate classification (germline): Likely benign (0 of 4 stars; one submission).

Conditions:
TSHZ3-related disorder. Also called: TSHZ3-related condition.

Allele frequency attached by ClinVar (database versions not stated): TOPMed 0.00003; gnomAD 0.00004; ESP Exome Variant Server 0.00008.
gnomAD v4.1: 55 of 1,613,924 alleles (0.0034%); highest among the groups gnomAD compares: Non-Finnish European, 0.0042%; no homozygotes.

Submission:

PreventionGenetics, part of Exact Sciences
Classification: Likely benign for TSHZ3-related condition. Last evaluated: 2019-03-08. Review status: no assertion criteria provided. Collection method: clinical testing. Allele origin: germline.
Comment: This variant is classified as likely benign based on ACMG/AMP sequence variant interpretation guidelines (Richards et al. 2015 PMID: 25741868, with internal and published modifications).